The following is an entry in ClinVar:

ClinVar aggregate classification (germline): Uncertain significance. Review status: criteria provided, single submitter (1 of 4 stars). 2 submissions from 2 submitters: Uncertain significance (1). 1 of the submissions does not count toward it. Last evaluated 2024-08-15.

Conditions:
Propionic acidemia (PROP). Also called: GLYCINEMIA, KETOTIC; HYPERGLYCINEMIA WITH KETOACIDOSIS AND LEUKOPENIA; KETOTIC HYPERGLYCINEMIA. Identifiers: Orphanet 35, MedGen C0268579, MONDO:0011628, OMIM 606054, HP:0003571.

Submissions (2):

Labcorp Genetics (formerly Invitae), Labcorp
Classification: Uncertain significance for Propionic acidemia. Last evaluated: 2024-08-15. Review status: criteria provided, single submitter. Criteria: Invitae Variant Classification Sherloc (09022015). Collection method: clinical testing. Allele origin: germline.
Comment: This variant, c.1132_1140del, results in the deletion of 3 amino acid(s) of the PCCA protein (p.Lys378_Tyr380del), but otherwise preserves the integrity of the reading frame. This variant is not present in population databases (gnomAD no frequency). This variant has not been reported in the literature in individuals affected with PCCA-related conditions. Experimental studies and prediction algorithms are not available or were not evaluated, and the functional significance of this variant is currently unknown. This variant disrupts a region of the PCCA protein in which other variant(s) (p.Gly379Val (also known as G354V)) have been observed in individuals with PCCA-related conditions (PMID: 10329019). This suggests that this is a clinically significant region of the protein, and that variants that disrupt it are likely to be disease-causing. In summary, the available evidence is currently insufficient to determine the role of this variant in disease. Therefore, it has been classified as a Variant of Uncertain Significance.

Natera, Inc.
Classification: Uncertain significance for Propionic acidemia. Last evaluated: 2025-02-20. Review status: no assertion criteria provided. Collection method: clinical testing. Allele origin: germline. Not counted in ClinVar's aggregate classification.

Literature cited by the submitters: PubMed 10329019 (cited by Labcorp Genetics (formerly Invitae), Labcorp).

NM_000282.4(PCCA):c.1132_1140del (p.Lys378_Tyr380del)

Gene: PCCA (propionyl-CoA carboxylase subunit alpha; plus strand). Cytogenetic location: 13q32.3.
Variant type: Deletion.
Coding change: c.1132_1140del on transcript NM_000282.4 (MANE Select); coding-DNA positions 1132 to 1140, 9 bases deleted (AAGGGCTAC; older notation c.1132_1140delAAGGGCTAC).
Protein change: p.Lys378_Tyr380del.
Molecular consequence: inframe deletion. On other transcripts: non-coding transcript variant (5), intron variant (3).
Genome position (GRCh38, 1-based): chr13:100,301,526-100,301,534, AAGGGCTAC deleted. VCF-style (leftmost placement, unchanged base first): chr13-100301525-TAAGGGCTAC-T. GRCh37 (hg19) VCF-style: chr13-100953779-TAAGGGCTAC-T.
Other names: c.1054_1062del, p.Lys352_Tyr354del (NM_001127692.3, NM_001352607.2); c.1132_1140del, p.Lys378_Tyr380del (NM_001178004.2, NM_001352605.2, NM_001352609.2); c.187_195del, p.Lys63_Tyr65del (NM_001352610.2, NM_001352611.2); c.1066-1398_1066-1390del (NM_001352606.2); c.121-1398_121-1390del (NM_001352612.2); c.988-1398_988-1390del (NM_001352608.2); c.1132_1140del (NM_000282.3).
Identifiers: ClinVar variation 3614248 (VCV003614248.3).